The following is an entry in ClinVar:

NM_001081.4(CUBN):c.7049T>C (p.Ile2350Thr)

Gene: CUBN (cubilin; minus strand). Cytogenetic location: 10p13.
Variant type: single nucleotide variant.
Coding change: c.7049T>C on transcript NM_001081.4 (MANE Select); coding-DNA position 7049, T replaced by C.
Protein change: p.Ile2350Thr; replaces isoleucine 2350 with threonine.
Molecular consequence: missense variant.
Genome position (GRCh38, 1-based): chr10:16,915,982, A>G on the plus strand (T>C on the coding strand, the complement: CUBN is on the minus strand). VCF-style: chr10-16915982-A-G. GRCh37 (hg19) VCF-style: chr10-16957981-A-G.
Other names: short protein forms I2350T.
Identifiers: ClinVar variation 1990658 (VCV001990658.5), dbSNP rs370409532, ClinGen allele CA5423468.
Genomic context (GRCh38, chr10:16,915,982, plus strand): 5'-AGCCCCTGGAGATGCCACTCACAGAATAAGTTGTCTCTGTATGGAAGTGTTGGATGTCCA[A>G]TGCTTTCAACAACACCACTTTGCCCTGGTACTCTTCCCCCACACTGAGCTGCAAAAAATA-3'
Protein context (NP_001072.2, residues 2340-2360): VPGQSGVVES[Ile2350Thr]GHPTLPYRDN

ClinVar aggregate classification (germline): Uncertain significance. Review status: criteria provided, multiple submitters, no conflicts (2 of 4 stars). 2 submissions from 2 submitters: Uncertain significance (2). Last evaluated 2024-01-29.

Conditions:
Imerslund-Grasbeck syndrome type 1 (IGS1). Also called: Megaloblastic anemia 1, Finnish type; MEGALOBLASTIC ANEMIA, 1; Imerslund-Gräsbeck syndrome 1. Identifiers: MedGen C4016819, MONDO:0100156, OMIM 261100.
Proteinuria, chronic benign. Identifiers: MedGen C5394384, MONDO:0030042, OMIM 618884.
Imerslund-Grasbeck syndrome. Also called: ENTEROCYTE COBALAMIN MALABSORPTION; ENTEROCYTE INTRINSIC FACTOR RECEPTOR, DEFECT OF; PERNICIOUS ANEMIA, JUVENILE, DUE TO SELECTIVE INTESTINAL MALABSORPTION OF VITAMIN B12, WITH PROTEINURIA; Imerslund-Gräsbeck syndrome; Megaloblastic anemia due to inborn errors of metabolism. Identifiers: Orphanet 35858, MedGen C4551825, MONDO:0009853.

Allele frequency attached by ClinVar (database versions not stated): gnomAD exomes below 0.00001; TOPMed below 0.00001; gnomAD 0.00001; ExAC 0.00002; 1000 Genomes Project 30x 0.00016; 1000 Genomes Project 0.00020.

Submissions (2):

Fulgent Genetics
Classification: Uncertain significance for Imerslund-Grasbeck syndrome type 1; Proteinuria, chronic benign. Last evaluated: 2024-01-29. Review status: criteria provided, single submitter. Criteria: ACMG Guidelines, 2015. Collection method: clinical testing. Allele origin: germline.

Labcorp Genetics (formerly Invitae), Labcorp
Classification: Uncertain significance for Imerslund-Grasbeck syndrome. Last evaluated: 2022-07-15. Review status: criteria provided, single submitter. Criteria: Invitae Variant Classification Sherloc (09022015). Collection method: clinical testing. Allele origin: germline.
Comment: This sequence change replaces isoleucine, which is neutral and non-polar, with threonine, which is neutral and polar, at codon 2350 of the CUBN protein (p.Ile2350Thr). This variant is present in population databases (rs370409532, gnomAD 0.007%). This variant has not been reported in the literature in individuals affected with CUBN-related conditions. Algorithms developed to predict the effect of missense changes on protein structure and function output the following: SIFT: "Tolerated"; PolyPhen-2: "Benign"; Align-GVGD: "Class C0". The threonine amino acid residue is found in multiple mammalian species, which suggests that this missense change does not adversely affect protein function. In summary, the available evidence is currently insufficient to determine the role of this variant in disease. Therefore, it has been classified as a Variant of Uncertain Significance.